The following is an entry in ClinVar:

ClinVar aggregate classification (germline): Likely benign (1 of 4 stars; one submission).

Conditions:
Bilateral frontoparietal polymicrogyria. Also called: CEREBELLAR ATAXIA WITH NEURONAL MIGRATION DEFECT; CORTICAL DYSPLASIA, COMPLEX, WITH OTHER BRAIN MALFORMATIONS 14A (BILATERAL FRONTOPARIETAL). Identifiers: Orphanet 101070, MedGen C1847352, MONDO:0011738, OMIM 606854.

Allele frequency attached by ClinVar (database versions not stated): gnomAD exomes 0.00022 and 0.00044; ExAC 0.00046; 1000 Genomes Project 30x 0.00078; 1000 Genomes Project 0.00080; ESP Exome Variant Server 0.00131; gnomAD 0.00194 and 0.00217; TOPMed 0.00228.
gnomAD v4.1: 621 of 1,597,006 alleles (0.039%); highest among the groups gnomAD compares: African/African-American, 0.7%; no homozygotes.

Submission:

Illumina Laboratory Services, Illumina
Classification: Likely benign for Bilateral frontoparietal polymicrogyria. Last evaluated: 2018-01-13. Review status: criteria provided, single submitter. Criteria: ICSL Variant Classification Criteria 13 December 2019. Collection method: clinical testing. Allele origin: germline.
Comment: This variant was observed in the ICSL laboratory as part of a predisposition screen in an ostensibly healthy population. It had not been previously curated by ICSL or reported in the Human Gene Mutation Database (HGMD: prior to June 1st, 2018), and was therefore a candidate for classification through an automated scoring system. Utilizing variant allele frequency, disease prevalence and penetrance estimates, and inheritance mode, an automated score was calculated to assess if this variant is too frequent to cause the disease. Based on the score and internal cut-off values, a variant classified as likely benign is not then subjected to further curation. The score for this variant resulted in a classification of likely benign for this disease.

NM_201525.4(ADGRG1):c.*46G>A

Gene: ADGRG1 (adhesion G protein-coupled receptor G1; plus strand). Cytogenetic location: 16q21.
Variant type: single nucleotide variant.
Coding change: c.*46G>A on transcript NM_201525.4 (MANE Select); 46 bases downstream of the stop codon, G replaced by A.
Molecular consequence: 3 prime UTR variant.
Genome position (GRCh38, 1-based): chr16:57,663,628, G>A. VCF-style: chr16-57663628-G-A. GRCh37 (hg19) VCF-style: chr16-57697540-G-A.
Other names: c.*46G>A (NM_001145770.3, NM_001145771.3, NM_001145772.3 and 25 more transcripts).
Identifiers: ClinVar variation 884994 (VCV000884994.4), dbSNP rs201611287, ClinGen allele CA8078957.